The following is an entry in ClinVar:

ClinVar aggregate classification (germline): Likely benign (1 of 4 stars; one submission).

Conditions:
BBS1-related disorder. Also called: BBS1-related condition.

Submission:

PreventionGenetics, part of Exact Sciences
Classification: Likely benign for BBS1-related condition. Last evaluated: 2025-10-14. Review status: criteria provided, single submitter. Criteria: ACMG Guidelines, 2015. Collection method: clinical testing. Allele origin: germline.
Comment: This variant is classified as likely benign based on ACMG/AMP sequence variant interpretation guidelines (Richards et al. 2015 PMID: 25741868, with internal and published modifications).

NM_024649.5(BBS1):c.1781GA[1] (p.Ter594=)

Genes: BBS1 (Bardet-Biedl syndrome 1; plus strand), ZDHHC24 (zDHHC palmitoyltransferase 24; minus strand). Cytogenetic location: 11q13.2.
Variant type: Microsatellite.
Coding change: c.1781GA[1] on transcript NM_024649.5 (MANE Select); one copy of the 2-base unit GA starting at c.1781; the reference has two copies in a row; one copy, 2 bases deleted.
Protein change: p.Ter594=.
Molecular consequence: no sequence alteration. On other transcripts: intron variant (1).
Genome position (GRCh38, 1-based): chr11:66,532,038-66,532,039, GA deleted; deleting any 2 consecutive bases within chr11:66,532,036-66,532,039 gives the same sequence; the position shown is the placement nearest the transcript's 3' end. VCF-style (leftmost placement, unchanged base first): chr11-66532035-TGA-T. GRCh37 (hg19) VCF-style: chr11-66299506-TGA-T.
Other names: c.560-2549_560-2548del (NM_001348571.2).
Identifiers: ClinVar variation 4995419 (VCV004995419.1).